The following is an entry in ClinVar:

NM_000718.4(CACNA1B):c.4369C>T (p.Arg1457Trp)

Gene: CACNA1B (calcium voltage-gated channel subunit alpha1 B; plus strand). Cytogenetic location: 9q34.3.
Variant type: single nucleotide variant.
Coding change: c.4369C>T on transcript NM_000718.4 (MANE Select); coding-DNA position 4369, C replaced by T.
Protein change: p.Arg1457Trp; replaces arginine 1457 with tryptophan.
Molecular consequence: missense variant.
Genome position (GRCh38, 1-based): chr9:138,058,629, C>T. VCF-style: chr9-138058629-C-T. GRCh37 (hg19) VCF-style: chr9-140953081-C-T.
Other names: c.4369C>T, p.Arg1457Trp (NM_001243812.2); short protein forms R1457W.
Identifiers: ClinVar variation 2166188 (VCV002166188.4), dbSNP rs201837706, ClinGen allele CA5376971.
Genomic context (GRCh38, chr9:138,058,629, plus strand): 5'-AGGGCTTGCATTGACTTCGCCATCAGCGCCAAACCCCTGACACGGTACATGCCCCAAAAC[C>T]GGCAGTCGTTCCAGTATAAGACGTGGACATTTGTGGTCTCCCCGCCCTTTGAATACTTCA-3'
Protein context (NP_000709.1, residues 1447-1467): KPLTRYMPQN[Arg1457Trp]QSFQYKTWTF

ClinVar aggregate classification (germline): Uncertain significance. Review status: criteria provided, multiple submitters, no conflicts (2 of 4 stars). 2 submissions from 2 submitters: Uncertain significance (2). Last evaluated 2025-10-26.

Allele frequency attached by ClinVar (database versions not stated): gnomAD exomes 0.00001; gnomAD 0.00002; ExAC 0.00003; TOPMed 0.00005.
gnomAD v4.1: 19 of 1,613,830 alleles (0.0012%); highest among the groups gnomAD compares: Admixed American, 0.0017%; no homozygotes.

Submissions (2):

Labcorp Genetics (formerly Invitae), Labcorp
Classification: Uncertain significance. Last evaluated: 2025-10-26. Review status: criteria provided, single submitter. Criteria: Invitae Variant Classification Sherloc (09022015). Collection method: clinical testing. Allele origin: germline.
Comment: This sequence change replaces arginine, which is basic and polar, with tryptophan, which is neutral and slightly polar, at codon 1457 of the CACNA1B protein (p.Arg1457Trp). This variant is present in population databases (rs201837706, gnomAD 0.004%). This variant has not been reported in the literature in individuals affected with CACNA1B-related conditions. ClinVar contains an entry for this variant (Variation ID: 2166188). Invitae Evidence Modeling of protein sequence and biophysical properties (such as structural, functional, and spatial information, amino acid conservation, physicochemical variation, residue mobility, and thermodynamic stability) indicates that this missense variant is not expected to disrupt CACNA1B protein function with a negative predictive value of 80%. In summary, the available evidence is currently insufficient to determine the role of this variant in disease. Therefore, it has been classified as a Variant of Uncertain Significance.

Blueprint Genetics
Classification: Uncertain significance. Last evaluated: 2024-05-24. Review status: criteria provided, single submitter. Criteria: ACMG Guidelines, 2015. Collection method: clinical testing. Allele origin: germline.